The following is an entry in ClinVar:

NM_014956.5(CEP164):c.3813del (p.Ser1272fs)

Gene: CEP164 (centrosomal protein 164; plus strand). Cytogenetic location: 11q23.3.
Variant type: Deletion.
Coding change: c.3813del on transcript NM_014956.5 (MANE Select); coding-DNA position 3813, one base deleted (C; older notation c.3813delC).
Protein change: p.Ser1272fs; shifts the reading frame from serine 1272.
Molecular consequence: frameshift variant.
Genome position (GRCh38, 1-based): chr11:117,409,682, C deleted. VCF-style (leftmost placement, unchanged base first): chr11-117409681-TC-T. GRCh37 (hg19) VCF-style: chr11-117280397-TC-T.
Other names: c.3798del, p.Ser1267fs (NM_001271933.2); short protein forms S1267fs, S1272fs.
Identifiers: ClinVar variation 3625261 (VCV003625261.2).
Genomic context (GRCh38, chr11:117,409,681, plus strand): 5'-ACTCAACCCCGAGTCTCACCTCCCGCAAGATCCACGGGCTTAGCCACTCCCTCCGGCAGA[TC>T]AGCAGCCAGCTGAGCAGTGTCCTCAGCATCCTGGACAGCCTCAACCCTCAGTCGCCGCCG-3'

ClinVar aggregate classification (germline): Pathogenic (1 of 4 stars; one submission).

Conditions:
Nephronophthisis 15 (NPHP15). Identifiers: Orphanet 3156, MedGen C3541853, MONDO:0013917, OMIM 614845.

Submission:

Labcorp Genetics (formerly Invitae), Labcorp
Classification: Pathogenic for Nephronophthisis 15. Last evaluated: 2024-08-20. Review status: criteria provided, single submitter. Criteria: Invitae Variant Classification Sherloc (09022015). Collection method: clinical testing. Allele origin: germline.
Comment: This sequence change creates a premature translational stop signal (p.Ser1272Alafs*4) in the CEP164 gene. It is expected to result in an absent or disrupted protein product. Loss-of-function variants in CEP164 are known to be pathogenic (PMID: 22863007, 28125082, 32367404, 34132027, 34499853). This variant is not present in population databases (gnomAD no frequency). This variant has not been reported in the literature in individuals affected with CEP164-related conditions. For these reasons, this variant has been classified as Pathogenic.

Literature cited by the submitters: PubMed 22863007; PubMed 28125082; PubMed 32367404; PubMed 34132027; PubMed 34499853.